The following is an entry in ClinVar:

ClinVar aggregate classification (germline): Uncertain significance. Review status: criteria provided, multiple submitters, no conflicts (2 of 4 stars). 3 submissions from 3 submitters: Uncertain significance (2). 1 of the submissions does not count toward it. Last evaluated 2025-02-11.

Conditions:
Inborn genetic diseases. Identifiers: MedGen C0950123, MeSH D030342.
Charcot-Marie-Tooth disease. Also called: Charcot-Marie-Tooth Neuropathy; Charcot-Marie-Tooth Hereditary Neuropathy. Identifiers: Orphanet 166, MedGen C0007959, MONDO:0015626.

Allele frequency attached by ClinVar (database versions not stated): ExAC 0.00001; gnomAD exomes 0.00001 and 0.00002.
gnomAD v4.1: 6 of 1,614,150 alleles (0.00037%); highest among the groups gnomAD compares: South Asian, 0.0066%; no homozygotes.

Submissions (3):

Labcorp Genetics (formerly Invitae), Labcorp
Classification: Uncertain significance. Last evaluated: 2025-02-11. Review status: criteria provided, single submitter. Criteria: Invitae Variant Classification Sherloc (09022015). Collection method: clinical testing. Allele origin: germline.
Comment: This sequence change replaces glutamine, which is neutral and polar, with lysine, which is basic and polar, at codon 457 of the SEPT9 protein (p.Gln457Lys). This variant is present in population databases (rs750807119, gnomAD 0.01%). This variant has not been reported in the literature in individuals affected with SEPT9-related conditions. ClinVar contains an entry for this variant (Variation ID: 694905). Invitae Evidence Modeling of protein sequence and biophysical properties (such as structural, functional, and spatial information, amino acid conservation, physicochemical variation, residue mobility, and thermodynamic stability) indicates that this missense variant is expected to disrupt SEPT9 protein function with a positive predictive value of 80%. In summary, the available evidence is currently insufficient to determine the role of this variant in disease. Therefore, it has been classified as a Variant of Uncertain Significance.

Ambry Genetics
Classification: Uncertain significance for Inborn genetic diseases. Last evaluated: 2024-05-29. Review status: criteria provided, single submitter. Criteria: Ambry Variant Classification Scheme 2023. Collection method: clinical testing. Allele origin: germline.

Genesis Genome Database
Classification: Uncertain significance for Charcot-Marie-Tooth disease. Last evaluated: 2019-08-14. Review status: no assertion criteria provided. Collection method: research. Allele origin: germline. Affected: yes. Not counted in ClinVar's aggregate classification.

NM_001113491.2(SEPTIN9):c.1423C>A (p.Gln475Lys)

Gene: SEPTIN9 (septin 9; plus strand). Cytogenetic location: 17q25.3.
Variant type: single nucleotide variant.
Coding change: c.1423C>A on transcript NM_001113491.2 (MANE Select); coding-DNA position 1423, C replaced by A.
Protein change: p.Gln475Lys; replaces glutamine 475 with lysine.
Molecular consequence: missense variant.
Genome position (GRCh38, 1-based): chr17:77,492,663, C>A. VCF-style: chr17-77492663-C-A. GRCh37 (hg19) VCF-style: chr17-75488745-C-A.
Other names: c.931C>A, p.Gln311Lys (NM_001113492.2, NM_001113494.1); c.1402C>A, p.Gln468Lys (NM_001113493.2); c.670C>A, p.Gln224Lys (NM_001113495.2, NM_001113496.2, NM_001293697.2 and 1 more transcripts); c.1366C>A, p.Gln456Lys (NM_001293695.2); c.751C>A, p.Gln251Lys (NM_001293696.2); c.1369C>A, p.Gln457Lys (NM_006640.5); c.1369C>A (NM_006640.4); short protein forms Q311K, Q468K, Q251K, Q456K, Q457K, Q224K, Q475K.
Identifiers: ClinVar variation 694905 (VCV000694905.3), dbSNP rs750807119, ClinGen allele CA8793794.
Genomic context (GRCh38, chr17:77,492,663, plus strand): 5'-TCTCCCTCCTTATCCCAGATCACCGCAGACCTGCTGTCCAACGGCATCGACGTGTACCCC[C>A]AGAAGGAATTTGATGAGGACTCGGAGGACCGGCTGGTGAACGAGAAGTTCCGGGTGAGTG-3'
Protein context (NP_001106963.1, residues 465-485): LLSNGIDVYP[Gln475Lys]KEFDEDSEDR